The following is an entry in ClinVar:

NM_004415.4(DSP):c.783G>A (p.Ala261=)

Gene: DSP (desmoplakin; plus strand). Cytogenetic location: 6p24.3.
Variant type: single nucleotide variant.
Coding change: c.783G>A on transcript NM_004415.4 (MANE Select); coding-DNA position 783, G replaced by A.
Protein change: p.Ala261=; no amino-acid change (alanine 261 retained).
Molecular consequence: synonymous variant.
Genome position (GRCh38, 1-based): chr6:7,565,364, G>A. VCF-style: chr6-7565364-G-A. GRCh37 (hg19) VCF-style: chr6-7565597-G-A.
Other names: c.783G>A, p.Ala261= (NM_001008844.3, NM_001319034.2); c.783G>A (NM_004415.3).
Identifiers: ClinVar variation 928318 (VCV000928318.16), dbSNP rs764596108, ClinGen allele CA050941.

ClinVar aggregate classification (germline): Likely benign. Review status: criteria provided, multiple submitters, no conflicts (2 of 4 stars). 6 submissions from 6 submitters: Likely benign (6). Last evaluated 2026-03-23.

Conditions:
Cardiovascular phenotype. Identifiers: MedGen CN230736.
Arrhythmogenic cardiomyopathy with wooly hair and keratoderma. Also called: PALMOPLANTAR KERATODERMA WITH LEFT VENTRICULAR CARDIOMYOPATHY AND WOOLLY HAIR; Carvajal syndrome; Dilated cardiomyopathy with woolly hair and keratoderma; Arrhythmogenic cardiomyopathy with woolly hair and keratoderma. Identifiers: Orphanet 65282, MedGen C1854063, MONDO:0011581, OMIM 605676.
Arrhythmogenic right ventricular dysplasia 8 (ARVD8). Also called: Arrhythmogenic Right Ventricular Dysplasia/Cardiomyopathy 8; ARRHYTHMOGENIC RIGHT VENTRICULAR CARDIOMYOPATHY 8; ARRHYTHMOGENIC RIGHT VENTRICULAR DYSPLASIA, FAMILIAL, 8. Identifiers: MedGen C1843896, MONDO:0011831, OMIM 607450.
DSP-related disorder. Also called: DSP-related condition; DSP-related disorders.
Cardiomyopathy (CMYO). Also called: Cardiomyopathies. Identifiers: Orphanet 167848, MedGen C0878544, MONDO:0004994, HP:0001638. Inheritance: Various modes of inheritance.

Allele frequency attached by ClinVar (database versions not stated): TOPMed 0.00002; gnomAD exomes 0.00003 and 0.00006; ExAC 0.00007.
gnomAD v4.1: 46 of 1,614,018 alleles (0.0029%); highest among the groups gnomAD compares: Admixed American, 0.02%; 1 homozygote.

Submissions (6):

PreventionGenetics, part of Exact Sciences
Classification: Likely benign for DSP-related condition. Last evaluated: 2026-03-23. Review status: criteria provided, single submitter. Criteria: ACMG Guidelines, 2015. Collection method: clinical testing. Allele origin: germline.
Comment: This variant is classified as likely benign based on ACMG/AMP sequence variant interpretation guidelines (Richards et al. 2015 PMID: 25741868, with internal and published modifications).

Labcorp Genetics (formerly Invitae), Labcorp
Classification: Likely benign for Arrhythmogenic cardiomyopathy with wooly hair and keratoderma; Arrhythmogenic right ventricular dysplasia 8. Last evaluated: 2025-08-17. Review status: criteria provided, single submitter. Criteria: Invitae Variant Classification Sherloc (09022015). Collection method: clinical testing. Allele origin: germline.

Blueprint Genetics
Classification: Likely benign. Last evaluated: 2024-08-07. Review status: criteria provided, single submitter. Criteria: ACMG Guidelines, 2015. Collection method: clinical testing. Allele origin: germline.

All of Us Research Program, National Institutes of Health
Classification: Likely benign for Arrhythmogenic cardiomyopathy with wooly hair and keratoderma. Last evaluated: 2024-04-25. Review status: criteria provided, single submitter. Criteria: ACMG Guidelines, 2015. Collection method: clinical testing. Allele origin: germline. Inheritance: Autosomal dominant inheritance. Observed: 7 variant alleles, 7 heterozygotes.
Comment: This study involves interpretation of variants in research participants for the purpose of population health screening. Participant phenotype was not available at the time of variant classification. Additional details can be found in publication PMID: 35346344, PMCID: PMC8962531

Ambry Genetics
Classification: Likely benign for Cardiovascular phenotype. Last evaluated: 2023-08-29. Review status: criteria provided, single submitter. Criteria: Ambry Variant Classification Scheme 2023. Collection method: clinical testing. Allele origin: germline.

Color Diagnostics, LLC DBA Color Health
Classification: Likely benign for Cardiomyopathy. Last evaluated: 2019-02-21. Review status: criteria provided, single submitter. Criteria: ACMG Guidelines, 2015. Collection method: clinical testing. Allele origin: germline.